The following is an entry in ClinVar:

ClinVar aggregate classification (germline): Likely benign. Review status: criteria provided, multiple submitters, no conflicts (2 of 4 stars). 3 submissions from 3 submitters: Likely benign (3). Last evaluated 2025-06-20.

Conditions:
Developmental and epileptic encephalopathy, 14 (DEE14). Also called: Early infantile epileptic encephalopathy 14. Identifiers: Orphanet 293181, MedGen C3554195, MONDO:0013989, OMIM 614959.
Autosomal dominant nocturnal frontal lobe epilepsy 5. Also called: KCNT1-Related Epilepsy; CILIARY DYSKINESIA, PRIMARY, 28, WITHOUT SITUS INVERSUS; CILIARY DYSKINESIA, PRIMARY, 28, WITH SITUS INVERSUS; Epilepsy, nocturnal frontal lobe, 5. Identifiers: Orphanet 98784, MedGen C3554306, MONDO:0014002, OMIM 615005.

Allele frequency attached by ClinVar (database versions not stated): TOPMed below 0.00001.

Submissions (3):

Labcorp Genetics (formerly Invitae), Labcorp
Classification: Likely benign for Autosomal dominant nocturnal frontal lobe epilepsy 5; Developmental and epileptic encephalopathy, 14. Last evaluated: 2025-06-20. Review status: criteria provided, single submitter. Criteria: Invitae Variant Classification Sherloc (09022015). Collection method: clinical testing. Allele origin: germline.

Blueprint Genetics
Classification: Likely benign. Last evaluated: 2024-06-10. Review status: criteria provided, single submitter. Criteria: ACMG Guidelines, 2015. Collection method: clinical testing. Allele origin: germline.

GeneDx
Classification: Likely benign. Last evaluated: 2016-10-03. Review status: criteria provided, single submitter. Criteria: GeneDx Variant Classification (06012015). Collection method: clinical testing. Allele origin: germline. Affected: yes.
Comment: This variant is considered likely benign or benign based on one or more of the following criteria: it is a conservative change, it occurs at a poorly conserved position in the protein, it is predicted to be benign by multiple in silico algorithms, and/or has population frequency not consistent with disease.

NM_020822.3(KCNT1):c.435-18C>T

Gene: KCNT1 (potassium sodium-activated channel subfamily T member 1; plus strand). Cytogenetic location: 9q34.3.
Variant type: single nucleotide variant.
Coding change: c.435-18C>T on transcript NM_020822.3 (MANE Select); 18 bases into the intron before coding-DNA position 435, C replaced by T.
Molecular consequence: intron variant.
Genome position (GRCh38, 1-based): chr9:135,753,919, C>T. VCF-style: chr9-135753919-C-T. GRCh37 (hg19) VCF-style: chr9-138645765-C-T.
Other names: c.291-18C>T (NM_001272003.2).
Identifiers: ClinVar variation 389783 (VCV000389783.5), dbSNP rs1057523539, ClinGen allele CA16605441.